The following is an entry in ClinVar:

ClinVar aggregate classification (germline): Uncertain significance (1 of 4 stars; one submission).

Conditions:
PHGDH deficiency. Identifiers: Orphanet 79351, MedGen C1866174, MONDO:0011152, OMIM 601815.

Submission:

Labcorp Genetics (formerly Invitae), Labcorp
Classification: Uncertain significance for PHGDH deficiency. Last evaluated: 2023-02-10. Review status: criteria provided, single submitter. Criteria: Invitae Variant Classification Sherloc (09022015). Collection method: clinical testing. Allele origin: germline.
Comment: In summary, the available evidence is currently insufficient to determine the role of this variant in disease. Therefore, it has been classified as a Variant of Uncertain Significance. Advanced modeling of protein sequence and biophysical properties (such as structural, functional, and spatial information, amino acid conservation, physicochemical variation, residue mobility, and thermodynamic stability) performed at Invitae indicates that this missense variant is not expected to disrupt PHGDH protein function. This variant has not been reported in the literature in individuals affected with PHGDH-related conditions. This variant is not present in population databases (gnomAD no frequency). This sequence change replaces methionine, which is neutral and non-polar, with threonine, which is neutral and polar, at codon 509 of the PHGDH protein (p.Met509Thr).

NM_006623.4(PHGDH):c.1526T>C (p.Met509Thr)

Gene: PHGDH (phosphoglycerate dehydrogenase; plus strand). Cytogenetic location: 1p12.
Variant type: single nucleotide variant.
Coding change: c.1526T>C on transcript NM_006623.4 (MANE Select); coding-DNA position 1526, T replaced by C.
Protein change: p.Met509Thr; replaces methionine 509 with threonine.
Molecular consequence: missense variant.
Genome position (GRCh38, 1-based): chr1:119,743,964, T>C. VCF-style: chr1-119743964-T-C. GRCh37 (hg19) VCF-style: chr1-120286587-T-C.
Other names: short protein forms M509T.
Identifiers: ClinVar variation 1898896 (VCV001898896.5), dbSNP rs2464209515, ClinGen allele CA341854515.
Genomic context (GRCh38, chr1:119,743,964, plus strand): 5'-GCGTGCGGCTGCTGTCCTACCAGACTTCACTGGTGTCAGATGGGGAGACCTGGCACGTCA[T>C]GGGCATCTCCTCCTTGCTGCCCAGCCTGGAAGCGTGGAAGCAGCATGTGACTGAAGCCTT-3'
Protein context (NP_006614.2, residues 499-519): LVSDGETWHV[Met509Thr]GISSLLPSLE